The following is an entry in ClinVar:

ClinVar aggregate classification (germline): Uncertain significance. Review status: criteria provided, multiple submitters, no conflicts (2 of 4 stars). 3 submissions from 3 submitters: Uncertain significance (3). Last evaluated 2022-08-11.

Conditions:
Dystonia 12 (DYT12). Also called: Rapid-Onset Dystonia-Parkinsonism (RDP); DYT-ATP1A3. Identifiers: Orphanet 71517, MedGen C1868681, MONDO:0007496, OMIM 128235.

Allele frequency attached by ClinVar (database versions not stated): gnomAD exomes below 0.00001.
gnomAD v4.1: 2 of 1,614,024 alleles (0.00012%); highest among the groups gnomAD compares: Non-Finnish European, 0.00017%; no homozygotes.

Submissions (3):

GeneDx
Classification: Uncertain significance. Last evaluated: 2022-08-11. Review status: criteria provided, single submitter. Criteria: GeneDx Variant Classification Process June 2021. Collection method: clinical testing. Allele origin: germline. Affected: yes.
Comment: Not observed at significant frequency in large population cohorts (gnomAD); In silico analysis supports a deleterious effect on splicing; In silico analysis supports that this missense variant does not alter protein structure/function; Has not been previously published as pathogenic or benign to our knowledge

Blueprint Genetics
Classification: Uncertain significance. Last evaluated: 2020-10-22. Review status: criteria provided, single submitter. Criteria: ACMG Guidelines, 2015. Collection method: clinical testing. Allele origin: germline.

Labcorp Genetics (formerly Invitae), Labcorp
Classification: Uncertain significance for Dystonia 12. Last evaluated: 2018-05-23. Review status: criteria provided, single submitter. Criteria: Invitae Variant Classification Sherloc (09022015). Collection method: clinical testing. Allele origin: germline.
Comment: In summary, the available evidence is currently insufficient to determine the role of this variant in disease. Therefore, it has been classified as a Variant of Uncertain Significance. Algorithms developed to predict the effect of sequence changes on RNA splicing suggest that this variant may create or strengthen a splice site, but this prediction has not been confirmed by published transcriptional studies. Algorithms developed to predict the effect of missense changes on protein structure and function (SIFT, PolyPhen-2, Align-GVGD) all suggest that this variant is likely to be tolerated, but these predictions have not been confirmed by published functional studies and their clinical significance is uncertain. This variant has not been reported in the literature in individuals with ATP1A3-related disease. This variant is not present in population databases (ExAC no frequency). This sequence change replaces alanine with valine at codon 109 of the ATP1A3 protein (p.Ala109Val). The alanine residue is highly conserved and there is a small physicochemical difference between alanine and valine.

NM_152296.5(ATP1A3):c.326C>T (p.Ala109Val)

Gene: ATP1A3 (ATPase Na+/K+ transporting subunit alpha 3; minus strand). Cytogenetic location: 19q13.2.
Variant type: single nucleotide variant.
Coding change: c.326C>T on transcript NM_152296.5 (MANE Select); coding-DNA position 326, C replaced by T.
Protein change: p.Ala109Val; replaces alanine 109 with valine.
Molecular consequence: missense variant.
Genome position (GRCh38, 1-based): chr19:41,987,967, G>A on the plus strand (C>T on the coding strand, the complement: ATP1A3 is on the minus strand). VCF-style: chr19-41987967-G-A. GRCh37 (hg19) VCF-style: chr19-42492119-G-A.
Other names: c.359C>T, p.Ala120Val (NM_001256213.2); c.365C>T, p.Ala122Val (NM_001256214.2); short protein forms A109V, A120V, A122V.
Identifiers: ClinVar variation 572013 (VCV000572013.10), dbSNP rs1568866568, ClinGen allele CA406056111.